The following is an entry in ClinVar:

NM_033637.4(BTRC):c.232C>A (p.Gln78Lys)

Gene: BTRC (beta-transducin repeat containing E3 ubiquitin protein ligase; plus strand). Cytogenetic location: 10q24.32.
Variant type: single nucleotide variant.
Coding change: c.232C>A on transcript NM_033637.4 (MANE Select); coding-DNA position 232, C replaced by A.
Protein change: p.Gln78Lys; replaces glutamine 78 with lysine.
Molecular consequence: missense variant. On other transcripts: intron variant (1).
Genome position (GRCh38, 1-based): chr10:101,462,056, C>A. VCF-style: chr10-101462056-C-A. GRCh37 (hg19) VCF-style: chr10-103221813-C-A.
Other names: c.124C>A, p.Gln42Lys (NM_003939.5); c.157-17312C>A (NM_001256856.2); short protein forms Q78K, Q42K.
Identifiers: ClinVar variation 1430393 (VCV001430393.6), dbSNP rs949189845, ClinGen allele CA213113931.

ClinVar aggregate classification (germline): Uncertain significance (1 of 4 stars; one submission).

Submission:

Labcorp Genetics (formerly Invitae), Labcorp
Classification: Uncertain significance. Last evaluated: 2021-09-01. Review status: criteria provided, single submitter. Criteria: Invitae Variant Classification Sherloc (09022015). Collection method: clinical testing. Allele origin: germline.
Comment: In summary, the available evidence is currently insufficient to determine the role of this variant in disease. Therefore, it has been classified as a Variant of Uncertain Significance. This variant has not been reported in the literature in individuals affected with BTRC-related conditions. Algorithms developed to predict the effect of missense changes on protein structure and function (SIFT, PolyPhen-2, Align-GVGD) all suggest that this variant is likely to be tolerated. This variant is not present in population databases (ExAC no frequency). This sequence change replaces glutamine with lysine at codon 78 of the BTRC protein (p.Gln78Lys). The glutamine residue is highly conserved and there is a small physicochemical difference between glutamine and lysine.